The following is an entry in ClinVar:

ClinVar aggregate classification (germline): Uncertain significance (1 of 4 stars; one submission).

Allele frequency attached by ClinVar (database versions not stated): gnomAD exomes below 0.00001.

Submission:

Labcorp Genetics (formerly Invitae), Labcorp
Classification: Uncertain significance. Last evaluated: 2022-02-08. Review status: criteria provided, single submitter. Criteria: Invitae Variant Classification Sherloc (09022015). Collection method: clinical testing. Allele origin: germline.
Comment: This variant is not present in population databases (gnomAD no frequency). In summary, the available evidence is currently insufficient to determine the role of this variant in disease. Therefore, it has been classified as a Variant of Uncertain Significance. Algorithms developed to predict the effect of missense changes on protein structure and function output the following: SIFT: "Tolerated"; PolyPhen-2: "Benign"; Align-GVGD: "Class C0". The serine amino acid residue is found in multiple mammalian species, which suggests that this missense change does not adversely affect protein function. ClinVar contains an entry for this variant (Variation ID: 1000554). This variant has not been reported in the literature in individuals affected with ATF6-related conditions. This sequence change replaces proline, which is neutral and non-polar, with serine, which is neutral and polar, at codon 250 of the ATF6 protein (p.Pro250Ser).

NM_007348.4(ATF6):c.748C>T (p.Pro250Ser)

Gene: ATF6 (activating transcription factor 6; plus strand). Cytogenetic location: 1q23.3.
Variant type: single nucleotide variant.
Coding change: c.748C>T on transcript NM_007348.4 (MANE Select); coding-DNA position 748, C replaced by T.
Protein change: p.Pro250Ser; replaces proline 250 with serine.
Molecular consequence: missense variant.
Genome position (GRCh38, 1-based): chr1:161,802,111, C>T. VCF-style: chr1-161802111-C-T. GRCh37 (hg19) VCF-style: chr1-161771901-C-T.
Other names: short protein forms P250S.
Identifiers: ClinVar variation 1000554 (VCV001000554.5), dbSNP rs1685163764, ClinGen allele CA343388625.